The following is an entry in ClinVar:

NM_006892.4(DNMT3B):c.1634G>A (p.Arg545His)

Genes: DNMT3B (DNA methyltransferase 3 beta; plus strand), LOC126863014 (CDK7 strongly-dependent group 2 enhancer GRCh37_chr20:31385992-31387191; plus strand). Cytogenetic location: 20q11.21.
Variant type: single nucleotide variant.
Coding change: c.1634G>A on transcript NM_006892.4 (MANE Select); coding-DNA position 1634, G replaced by A.
Protein change: p.Arg545His; replaces arginine 545 with histidine.
Molecular consequence: missense variant.
Genome position (GRCh38, 1-based): chr20:32,798,603, G>A. VCF-style: chr20-32798603-G-A. GRCh37 (hg19) VCF-style: chr20-31386409-G-A.
Other names: c.1448G>A, p.Arg483His (NM_001207055.2); c.1346G>A, p.Arg449His (NM_001207056.2); c.1574G>A, p.Arg525His (NM_175848.2, NM_175849.2); c.1610G>A, p.Arg537His (NM_175850.3); short protein forms R545H, R537H, R449H, R483H, R525H.
Identifiers: ClinVar variation 1408953 (VCV001408953.5), dbSNP rs572676072, ClinGen allele CA9810652.

ClinVar aggregate classification (germline): Uncertain significance (1 of 4 stars; one submission).

Conditions:
Centromeric instability of chromosomes 1,9 and 16 and immunodeficiency (ICF1). Also called: CENTROMERIC INSTABILITY, IMMUNODEFICIENCY SYNDROME; Immunodeficiency-centromeric instability-facial anomalies; IMMUNE DEFICIENCY, VARIABLE, WITH CENTROMERIC INSTABILITY OF CHROMOSOMES 1, 9, AND 16; IMMUNODEFICIENCY SYNDROME, VARIABLE. Identifiers: Orphanet 2268, MedGen C0398788, MONDO:0000133.

Allele frequency attached by ClinVar (database versions not stated): gnomAD 0.00001 and 0.00003; ExAC 0.00002; gnomAD exomes 0.00002 and 0.00003; TOPMed 0.00003.
gnomAD v4.1: 35 of 1,614,180 alleles (0.0022%); highest among the groups gnomAD compares: Middle Eastern, 0.017%; no homozygotes.

Submission:

Labcorp Genetics (formerly Invitae), Labcorp
Classification: Uncertain significance for Centromeric instability of chromosomes 1,9 and 16 and immunodeficiency. Last evaluated: 2022-01-15. Review status: criteria provided, single submitter. Criteria: Invitae Variant Classification Sherloc (09022015). Collection method: clinical testing. Allele origin: germline.
Comment: This sequence change replaces arginine, which is basic and polar, with histidine, which is basic and polar, at codon 545 of the DNMT3B protein (p.Arg545His). This variant is present in population databases (rs572676072, gnomAD 0.02%). This variant has not been reported in the literature in individuals affected with DNMT3B-related conditions. Algorithms developed to predict the effect of missense changes on protein structure and function (SIFT, PolyPhen-2, Align-GVGD) all suggest that this variant is likely to be disruptive. In summary, the available evidence is currently insufficient to determine the role of this variant in disease. Therefore, it has been classified as a Variant of Uncertain Significance.